The following is an entry in ClinVar:

NM_002878.4(RAD51D):c.480+7G>A

Genes: RAD51D (RAD51 paralog D; minus strand), RAD51L3-RFFL (RAD51L3-RFFL readthrough; minus strand). Cytogenetic location: 17q12.
Variant type: single nucleotide variant.
Coding change: c.480+7G>A on transcript NM_002878.4 (MANE Select); 7 bases into the intron after coding-DNA position 480, G replaced by A.
Molecular consequence: intron variant.
Genome position (GRCh38, 1-based): chr17:35,106,981, C>T on the plus strand (G>A on the coding strand, the complement: RAD51D is on the minus strand). VCF-style: chr17-35106981-C-T. GRCh37 (hg19) VCF-style: chr17-33434000-C-T.
Other names: c.145-500G>A (NM_133629.3); c.540+7G>A (NM_001142571.2).
Identifiers: ClinVar variation 3903701 (VCV003903701.1).

ClinVar aggregate classification (germline): Likely benign (1 of 4 stars; one submission).

Conditions:
Breast-ovarian cancer, familial, susceptibility to, 4. Identifiers: Orphanet 145, MedGen C3280345, MONDO:0013669, OMIM 614291.

gnomAD v4.1: 1 of 1,614,206 alleles (0.000062%); highest among the groups gnomAD compares: East Asian, 0.0022%; no homozygotes.

Submission:

Myriad Genetics, Inc.
Classification: Likely benign for Breast-ovarian cancer, familial, susceptibility to, 4. Last evaluated: 2025-02-21. Review status: criteria provided, single submitter. Criteria: Myriad Autosomal Dominant, Autosomal Recessive and X-Linked Classification Criteria (2023). Collection method: clinical testing. Allele origin: unknown.
Comment: This variant is considered likely benign. This variant is intronic and is not expected to impact mRNA splicing.